The following is an entry in ClinVar:

ClinVar aggregate classification (germline): Likely benign. Review status: criteria provided, multiple submitters, no conflicts (2 of 4 stars). 3 submissions from 3 submitters: Likely benign (3). Last evaluated 2025-12-16.

Conditions:
Nephronophthisis. Also called: Juvenile Nephronophthisis. Identifiers: Orphanet 655, MedGen C0687120, MONDO:0019005, HP:0000090.

Allele frequency attached by ClinVar (database versions not stated): gnomAD 0.00003; TOPMed 0.00004; ESP Exome Variant Server 0.00008; gnomAD exomes 0.00009 and 0.00014; ExAC 0.00012; 1000 Genomes Project 30x 0.00016; 1000 Genomes Project 0.00020.
gnomAD v4.1: 208 of 1,612,770 alleles (0.013%); highest among the groups gnomAD compares: Non-Finnish European, 0.018%; 3 homozygotes.

Submissions (3):

Labcorp Genetics (formerly Invitae), Labcorp
Classification: Likely benign for Nephronophthisis. Last evaluated: 2025-12-16. Review status: criteria provided, single submitter. Criteria: Invitae Variant Classification Sherloc (09022015). Collection method: clinical testing. Allele origin: germline.

Blueprint Genetics
Classification: Likely benign. Last evaluated: 2024-11-21. Review status: criteria provided, single submitter. Criteria: ACMG Guidelines, 2015. Collection method: clinical testing. Allele origin: germline.

CeGaT Center for Human Genetics Tuebingen
Classification: Likely benign. Last evaluated: 2024-02-01. Review status: criteria provided, single submitter. Criteria: CeGaT Center For Human Genetics Tuebingen Variant Classification Criteria Version 2. Collection method: clinical testing. Allele origin: germline. Affected: yes. Observed: 1 variant allele.
Comment: NPHP1: BP4, BP7

NM_001128178.3(NPHP1):c.1701G>C (p.Val567=)

Gene: NPHP1 (nephrocystin 1; minus strand). Cytogenetic location: 2q13.
Variant type: single nucleotide variant.
Coding change: c.1701G>C on transcript NM_001128178.3 (MANE Select); coding-DNA position 1701, G replaced by C.
Protein change: p.Val567=; no amino-acid change (valine 567 retained).
Molecular consequence: synonymous variant.
Genome position (GRCh38, 1-based): chr2:110,129,201, C>G on the plus strand (G>C on the coding strand, the complement: NPHP1 is on the minus strand). VCF-style: chr2-110129201-C-G. GRCh37 (hg19) VCF-style: chr2-110886778-C-G.
Other names: c.1869G>C, p.Val623= (NM_000272.5); c.1512G>C, p.Val504= (NM_001128179.3); c.1698G>C, p.Val566= (NM_001374256.1); c.1701G>C, p.Val567= (NM_001374257.1); c.1866G>C, p.Val622= (NM_207181.4).
Identifiers: ClinVar variation 695732 (VCV000695732.30), dbSNP rs200521790, ClinGen allele CA1826928.